The following is an entry in ClinVar:

ClinVar aggregate classification (germline): Uncertain significance (1 of 4 stars; one submission).

Conditions:
RASopathy. Also called: rasopathies; Noonan spectrum disorder. Identifiers: Orphanet 536391, MedGen C5555857, MONDO:0021060.

Submission:

Labcorp Genetics (formerly Invitae), Labcorp
Classification: Uncertain significance for RASopathy. Last evaluated: 2017-06-26. Review status: criteria provided, single submitter. Criteria: Invitae Variant Classification Sherloc (09022015). Collection method: clinical testing. Allele origin: germline.
Comment: This variant is not present in population databases (ExAC no frequency) and has not been reported in the literature in individuals with a CBL-related disease. In summary, this variant is a novel missense change with uncertain impact on protein function. It has been classified as a Variant of Uncertain Significance. Algorithms developed to predict the effect of sequence changes on RNA splicing suggest that this variant may alter RNA splicing, but this prediction has not been confirmed by published transcriptional studies. Algorithms developed to predict the effect of missense changes on protein structure and function (SIFT, PolyPhen-2, Align-GVGD) all suggest that this variant is likely to be tolerated, but these predictions have not been confirmed by published functional studies. This sequence change replaces serine with glycine at codon 604 of the CBL protein (p.Ser604Gly). The serine residue is weakly conserved and there is a small physicochemical difference between serine and glycine.

NM_005188.4(CBL):c.1810A>G (p.Ser604Gly)

Gene: CBL (Cbl proto-oncogene; plus strand). Cytogenetic location: 11q23.3.
Variant type: single nucleotide variant.
Coding change: c.1810A>G on transcript NM_005188.4 (MANE Select); coding-DNA position 1810, A replaced by G.
Protein change: p.Ser604Gly; replaces serine 604 with glycine.
Molecular consequence: missense variant.
Genome position (GRCh38, 1-based): chr11:119,285,435, A>G. VCF-style: chr11-119285435-A-G. GRCh37 (hg19) VCF-style: chr11-119156145-A-G.
Other names: short protein forms S604G.
Identifiers: ClinVar variation 477701 (VCV000477701.8), dbSNP rs1555230616, ClinGen allele CA382920497.